The following is an entry in ClinVar:

ClinVar aggregate classification (somatic clinical impact): Tier I - Strong (1 of 4 stars; one submission).

Conditions:
Medulloblastoma WNT activated. Identifiers: MedGen C4331965, MONDO:0850196.

Submission:

Institute for Genomic Medicine (IGM) Clinical Laboratory, Nationwide Children's Hospital
Classification: Tier I - Strong for Medulloblastoma WNT activated. Assertion type: diagnostic. Clinical significance: supports diagnosis. Last evaluated: 2024-10-03. Review status: criteria provided, single submitter. Criteria: AMP/ASCO/CAP Guidelines, 2017. Collection method: clinical testing. Allele origin: somatic. Affected: yes.
Comment: Variant has Tier I (strong) clinical significance as a diagnostic inclusion criterion in medulloblastoma WNT activated, based on the following evidence: 1) Appears in one or more well-established professional guidelines (e.g., World Health Organization [WHO]; National Comprehensive Cancer Network [NCCN]) as providing diagnostic, prognostic, or therapeutic information. 2) Information in the literature supports potential biologic effect of variant (PMIDs: 38057330, 37422363, 21779027). 3) Diagnostic for a specific tumor type/classification based on well-powered studies with expert-level consensus (Evidence Level B; PMIDs: 22832583, 22722829, 28726821, 22820256).

Literature cited by the submitters: PubMed 38057330; PubMed 37422363; PubMed 21779027; PubMed 22832583; PubMed 22722829; PubMed 28726821; PubMed 22820256.

NM_001356.5(DDX3X):c.680G>C (p.Gly227Ala)

Gene: DDX3X (DEAD-box helicase 3 X-linked; plus strand). Cytogenetic location: Xp11.4.
Variant type: single nucleotide variant.
Coding change: c.680G>C on transcript NM_001356.5 (MANE Select); coding-DNA position 680, G replaced by C.
Protein change: p.Gly227Ala; replaces glycine 227 with alanine.
Molecular consequence: missense variant. On other transcripts: non-coding transcript variant (1).
Genome position (GRCh38, 1-based): chrX:41,343,737, G>C. VCF-style: chrX-41343737-G-C. GRCh37 (hg19) VCF-style: chrX-41202990-G-C.
Other names: c.680G>C, p.Gly227Ala (NM_001193416.3); c.632G>C, p.Gly211Ala (NM_001193417.3); c.122G>C, p.Gly41Ala (NM_001363819.1); short protein forms G211A, G227A, G41A.
Identifiers: ClinVar variation 4530080 (VCV004530080.1).